The following is an entry in ClinVar:

NM_001928.4(CFD):c.575G>C (p.Arg192Pro)

Gene: CFD (complement factor D; plus strand). Cytogenetic location: 19p13.3.
Variant type: single nucleotide variant.
Coding change: c.575G>C on transcript NM_001928.4 (MANE Select); coding-DNA position 575, G replaced by C.
Protein change: p.Arg192Pro; replaces arginine 192 with proline.
Molecular consequence: missense variant.
Genome position (GRCh38, 1-based): chr19:861,916, G>C. VCF-style: chr19-861916-G-C. GRCh37 (hg19) VCF-style: chr19-861916-G-C.
Other names: c.596G>C, p.Arg199Pro (NM_001317335.2); c.575G>C (NM_001928.2); short protein forms R199P, R192P.
Identifiers: ClinVar variation 1370930 (VCV001370930.4), dbSNP rs201757567, ClinGen allele CA9026405.

ClinVar aggregate classification (germline): Uncertain significance. Review status: criteria provided, multiple submitters, no conflicts (2 of 4 stars). 2 submissions from 2 submitters: Uncertain significance (2). Last evaluated 2025-08-03.

gnomAD v4.1: 28 of 1,570,272 alleles (0.0018%); highest among the groups gnomAD compares: Middle Eastern, 0.017%; no homozygotes.

Submissions (2):

Ambry Genetics
Classification: Uncertain significance. Last evaluated: 2025-08-03. Review status: criteria provided, single submitter. Criteria: Ambry Variant Classification Scheme 2023. Collection method: clinical testing. Allele origin: germline.

Labcorp Genetics (formerly Invitae), Labcorp
Classification: Uncertain significance. Last evaluated: 2021-11-12. Review status: criteria provided, single submitter. Criteria: Invitae Variant Classification Sherloc (09022015). Collection method: clinical testing. Allele origin: germline.
Comment: This sequence change replaces arginine, which is basic and polar, with proline, which is neutral and non-polar, at codon 192 of the CFD protein (p.Arg192Pro). This variant is present in population databases (rs201757567, gnomAD 0.004%). This variant has not been reported in the literature in individuals affected with CFD-related conditions. Algorithms developed to predict the effect of missense changes on protein structure and function are either unavailable or do not agree on the potential impact of this missense change (SIFT: "Not Available"; PolyPhen-2: "Possibly Damaging"; Align-GVGD: "Not Available"). In summary, the available evidence is currently insufficient to determine the role of this variant in disease. Therefore, it has been classified as a Variant of Uncertain Significance.